The following is an entry in ClinVar:

ClinVar aggregate classification (germline): Likely pathogenic (1 of 4 stars; one submission).

Conditions:
PALS1-related disorder. Also called: PALS1-related condition.

Submission:

3billion
Classification: Likely pathogenic for PALS1-related disorder. Last evaluated: 2025-06-11. Review status: criteria provided, single submitter. Criteria: ACMG Guidelines, 2015. Collection method: clinical testing. Allele origin: germline. Affected: yes.
Comment: The variant is not observed in the gnomAD v4.1.0 dataset. Predicted Consequence/Location: Frameshift: predicted to result in a loss or disruption of normal protein function through nonsense-mediated decay (NMD) or protein truncation. Multiple pathogenic variants are reported downstream of the variant. Therefore, this variant is classified as Likely pathogenic according to the recommendation of ACMG/AMP guideline.

NM_022474.4(PALS1):c.1775del (p.Pro592fs)

Genes: GPHN (gephyrin; plus strand), PALS1 (protein associated with LIN7 1, MAGUK p55 family member; plus strand). Cytogenetic location: 14q23.3.
Variant type: Deletion.
Coding change: c.1775del on transcript NM_022474.4 (MANE Select); coding-DNA position 1775, one base deleted (C; older notation c.1775delC).
Protein change: p.Pro592fs; shifts the reading frame from proline 592.
Molecular consequence: frameshift variant.
Genome position (GRCh38, 1-based): chr14:67,323,736, C deleted; the last of 2 consecutive C bases (chr14:67,323,735-67,323,736); deleting either gives the same sequence. VCF-style (leftmost placement, unchanged base first): chr14-67323734-AC-A. GRCh37 (hg19) VCF-style: chr14-67790451-AC-A.
Other names: c.1673del, p.Pro558fs (NM_001256550.2); short protein forms P558fs, P592fs.
Identifiers: ClinVar variation 4855782 (VCV004855782.1).